The following is an entry in ClinVar:

NM_133474.4(ZNF721):c.507A>G (p.Glu169=)

Gene: ZNF721 (zinc finger protein 721; minus strand). Cytogenetic location: 4p16.3.
Variant type: single nucleotide variant.
Coding change: c.507A>G on transcript NM_133474.4 (MANE Select); coding-DNA position 507, A replaced by G.
Protein change: p.Glu169=; no amino-acid change (glutamic acid 169 retained).
Molecular consequence: synonymous variant.
Genome position (GRCh38, 1-based): chr4:443,960, T>C on the plus strand (A>G on the coding strand, the complement: ZNF721 is on the minus strand). VCF-style: chr4-443960-T-C. GRCh37 (hg19) VCF-style: chr4-437749-T-C.
Identifiers: ClinVar variation 5039078 (VCV005039078.1).

ClinVar aggregate classification (germline): Likely benign (1 of 4 stars; one submission).

gnomAD v4.1: 20 of 1,613,812 alleles (0.0012%); highest among the groups gnomAD compares: East Asian, 0.025%; no homozygotes.

Submission:

CeGaT Center for Human Genetics Tuebingen
Classification: Likely benign. Last evaluated: 2026-08-01. Review status: criteria provided, single submitter. Criteria: CeGaT Center For Human Genetics Tuebingen Variant Classification Criteria Version 2. Collection method: clinical testing. Allele origin: germline. Affected: yes. Observed: 1 variant allele.
Comment: ZNF721: BP4, BP7